The following is an entry in ClinVar:

ClinVar aggregate classification (germline): Uncertain significance (0 of 4 stars; one submission).

Conditions:
Autism (AUTS). Also called: Autistic disorder of childhood onset; Autistic disorder. Identifiers: MedGen C0004352, MeSH D001321, MONDO:0005260, OMIM 209850, HP:0000717.

Submission:

Centre for Addiction & Mental Health
Classification: Uncertain significance for Autism. Review status: no assertion criteria provided. Collection method: research. Allele origin: maternal. Affected: yes. Observed: 1 hemizygote. Segregation with disease observed.
Comment: Gene not previously associated with disease; independent supportng evidence needed

NM_002364.5(MAGEB2):c.83del (p.Pro28fs)

Gene: MAGEB2 (MAGE family member B2; plus strand). Cytogenetic location: Xp21.2.
Variant type: Deletion.
Coding change: c.83del on transcript NM_002364.5 (MANE Select); coding-DNA position 83, one base deleted (C; older notation c.83delC).
Protein change: p.Pro28fs; shifts the reading frame from proline 28.
Molecular consequence: frameshift variant.
Genome position (GRCh38, 1-based): chrX:30,218,663, C deleted; the last of 2 consecutive C bases (chrX:30,218,662-30,218,663); deleting either gives the same sequence. VCF-style (leftmost placement, unchanged base first): chrX-30218661-TC-T. GRCh37 (hg19) VCF-style: chrX-30236778-TC-T.
Other names: short protein forms P28fs.
Identifiers: ClinVar variation 3338190 (VCV003338190.2).